The following is an entry in ClinVar:

NC_000023.10:g.(?_31676087)_(32398817_?)dup

Gene: DMD (dystrophin; minus strand). Cytogenetic location: Xp21.1.
Variant type: Duplication.
Identifiers: ClinVar variation 3243031 (VCV003243031.1).

ClinVar aggregate classification (germline): Likely pathogenic (1 of 4 stars; one submission).

Conditions:
Duchenne muscular dystrophy (DMD). Also called: MUSCULAR DYSTROPHY, PSEUDOHYPERTROPHIC PROGRESSIVE, DUCHENNE TYPE; Duchenne Muscular Dystrophy (DMD). Identifiers: Orphanet 98896, MedGen C0013264, MONDO:0010679, OMIM 310200.

Submission:

Labcorp Genetics (formerly Invitae), Labcorp
Classification: Likely pathogenic for Duchenne muscular dystrophy. Last evaluated: 2023-03-18. Review status: criteria provided, single submitter. Criteria: Invitae Variant Classification Sherloc (09022015). Collection method: clinical testing. Allele origin: unknown.
Comment: This variant has not been reported in the literature in individuals affected with DMD-related conditions. This variant results in a copy number gain of the genomic region encompassing exon(s) 34-54 of the DMD gene. While the exact position of this variant cannot be determined from the data, sub-genic copy number gains are generally in tandem (PMID: 25640679). This variant is predicted to be out-of-frame, and may result in an absent or disrupted protein product. Loss-of-function variants in DMD are known to be pathogenic (PMID: 16770791, 25007885). In summary, the currently available evidence indicates that the variant is pathogenic, but additional data are needed to prove that conclusively. Therefore, this variant has been classified as Likely Pathogenic.

Literature cited by the submitters: PubMed 25640679; PubMed 16770791; PubMed 25007885.